The following is an entry in ClinVar:

ClinVar aggregate classification (germline): Uncertain significance. Review status: criteria provided, multiple submitters, no conflicts (2 of 4 stars). 2 submissions from 2 submitters: Uncertain significance (2). Last evaluated 2025-05-16.

Conditions:
Primary ciliary dyskinesia. Also called: Ciliary dyskinesia. Identifiers: Orphanet 244, MedGen C0008780, MONDO:0016575, HP:0012265.

Allele frequency attached by ClinVar (database versions not stated): gnomAD exomes below 0.00001; gnomAD 0.00001; TOPMed 0.00002.
gnomAD v4.1: 2 of 1,612,260 alleles (0.00012%); highest among the groups gnomAD compares: Admixed American, 0.0033%; no homozygotes.

Submissions (2):

Ambry Genetics
Classification: Uncertain significance for Primary ciliary dyskinesia. Last evaluated: 2025-05-16. Review status: criteria provided, single submitter. Criteria: Ambry Variant Classification Scheme 2023. Collection method: clinical testing. Allele origin: germline.

Labcorp Genetics (formerly Invitae), Labcorp
Classification: Uncertain significance for Primary ciliary dyskinesia. Last evaluated: 2022-04-10. Review status: criteria provided, single submitter. Criteria: Invitae Variant Classification Sherloc (09022015). Collection method: clinical testing. Allele origin: germline.
Comment: This sequence change replaces isoleucine, which is neutral and non-polar, with threonine, which is neutral and polar, at codon 1415 of the DNAH5 protein (p.Ile1415Thr). This variant is not present in population databases (gnomAD no frequency). This variant has not been reported in the literature in individuals affected with DNAH5-related conditions. Advanced modeling of protein sequence and biophysical properties (such as structural, functional, and spatial information, amino acid conservation, physicochemical variation, residue mobility, and thermodynamic stability) performed at Invitae indicates that this missense variant is not expected to disrupt DNAH5 protein function. In summary, the available evidence is currently insufficient to determine the role of this variant in disease. Therefore, it has been classified as a Variant of Uncertain Significance.

NM_001369.3(DNAH5):c.4244T>C (p.Ile1415Thr)

Genes: DNAH5 (dynein axonemal heavy chain 5; minus strand), DNAH5-AS1 (DNAH5 antisense RNA 1; plus strand). Cytogenetic location: 5p15.2.
Variant type: single nucleotide variant.
Coding change: c.4244T>C on transcript NM_001369.3 (MANE Select); coding-DNA position 4244, T replaced by C.
Protein change: p.Ile1415Thr; replaces isoleucine 1415 with threonine.
Molecular consequence: missense variant.
Genome position (GRCh38, 1-based): chr5:13,865,779, A>G on the plus strand (T>C on the coding strand, the complement: DNAH5 is on the minus strand). VCF-style: chr5-13865779-A-G. GRCh37 (hg19) VCF-style: chr5-13865888-A-G.
Other names: c.4244T>C (NM_001369.2); short protein forms I1415T.
Identifiers: ClinVar variation 2181819 (VCV002181819.2), dbSNP rs1769158038, ClinGen allele CA359225051.